The following is an entry in ClinVar:

ClinVar aggregate classification (germline): Uncertain significance (1 of 4 stars; one submission).

Allele frequency attached by ClinVar (database versions not stated): ESP Exome Variant Server 0.00046; gnomAD exomes 0.00049; ExAC 0.00066; gnomAD 0.00077 and 0.00085; TOPMed 0.00108.

Submission:

Labcorp Genetics (formerly Invitae), Labcorp
Classification: Uncertain significance. Last evaluated: 2024-10-23. Review status: criteria provided, single submitter. Criteria: Invitae Variant Classification Sherloc (09022015). Collection method: clinical testing. Allele origin: germline.
Comment: This sequence change replaces valine, which is neutral and non-polar, with phenylalanine, which is neutral and non-polar, at codon 342 of the SLC19A1 protein (p.Val342Phe). This variant is present in population databases (rs142899279, gnomAD 0.08%), and has an allele count higher than expected for a pathogenic variant. This variant has not been reported in the literature in individuals affected with SLC19A1-related conditions. ClinVar contains an entry for this variant (Variation ID: 1364488). An algorithm developed to predict the effect of missense changes on protein structure and function (PolyPhen-2) suggests that this variant is likely to be disruptive. In summary, the available evidence is currently insufficient to determine the role of this variant in disease. Therefore, it has been classified as a Variant of Uncertain Significance.

NM_194255.4(SLC19A1):c.1024G>T (p.Val342Phe)

Gene: SLC19A1 (solute carrier family 19 member 1; minus strand). Cytogenetic location: 21q22.3.
Variant type: single nucleotide variant.
Coding change: c.1024G>T on transcript NM_194255.4 (MANE Select); coding-DNA position 1024, G replaced by T.
Protein change: p.Val342Phe; replaces valine 342 with phenylalanine.
Molecular consequence: missense variant.
Genome position (GRCh38, 1-based): chr21:45,530,897, C>A on the plus strand (G>T on the coding strand, the complement: SLC19A1 is on the minus strand). VCF-style: chr21-45530897-C-A. GRCh37 (hg19) VCF-style: chr21-46950811-C-A.
Other names: c.1024G>T, p.Val342Phe (NM_001205206.4, NM_001352511.3, NM_001352512.2); c.904G>T, p.Val302Phe (NM_001205207.3); c.670G>T, p.Val224Phe (NM_001352510.2); short protein forms V342F, V302F, V224F.
Identifiers: ClinVar variation 1364488 (VCV001364488.5), dbSNP rs142899279, ClinGen allele CA10068444.